The following is an entry in ClinVar:

ClinVar aggregate classification (germline): Uncertain significance (1 of 4 stars; one submission).

Submission:

Labcorp Genetics (formerly Invitae), Labcorp
Classification: Uncertain significance. Last evaluated: 2023-07-19. Review status: criteria provided, single submitter. Criteria: Invitae Variant Classification Sherloc (09022015). Collection method: clinical testing. Allele origin: germline.
Comment: This sequence change replaces leucine, which is neutral and non-polar, with phenylalanine, which is neutral and non-polar, at codon 110 of the CD151 protein (p.Leu110Phe). In summary, the available evidence is currently insufficient to determine the role of this variant in disease. Therefore, it has been classified as a Variant of Uncertain Significance. An algorithm developed to predict the effect of missense changes on protein structure and function (PolyPhen-2) suggests that this variant is likely to be disruptive. This variant has not been reported in the literature in individuals affected with CD151-related conditions. This variant is present in population databases (no rsID available, gnomAD 0.0009%).

NM_004357.5(CD151):c.328C>T (p.Leu110Phe)

Gene: CD151 (CD151 molecule (Raph blood group); plus strand). Cytogenetic location: 11p15.5.
Variant type: single nucleotide variant.
Coding change: c.328C>T on transcript NM_004357.5 (MANE Select); coding-DNA position 328, C replaced by T.
Protein change: p.Leu110Phe; replaces leucine 110 with phenylalanine.
Molecular consequence: missense variant.
Genome position (GRCh38, 1-based): chr11:836,820, C>T. VCF-style: chr11-836820-C-T. GRCh37 (hg19) VCF-style: chr11-836820-C-T.
Other names: c.328C>T, p.Leu110Phe (NM_001039490.2, NM_139029.2, NM_139030.4); short protein forms L110F.
Identifiers: ClinVar variation 2972538 (VCV002972538.3), dbSNP rs146079952, ClinGen allele CA378994390.